The following is an entry in ClinVar:

NM_002382.5(MAX):c.183_195del (p.Gln62fs)

Gene: MAX (MYC associated transcriptional regulator X; minus strand). Cytogenetic location: 14q23.3.
Variant type: Deletion.
Coding change: c.183_195del on transcript NM_002382.5 (MANE Select); coding-DNA positions 183 to 195, 13 bases deleted (CCAAATCCTAGAC).
Protein change: p.Gln62fs; shifts the reading frame from glutamine 62.
Molecular consequence: frameshift variant. On other transcripts: 5 prime UTR variant (1), intron variant (2).
Genome position (GRCh38, 1-based): chr14:65,078,013-65,078,025, GTCTAGGATTTGG deleted on the plus strand (CCAAATCCTAGAC on the coding strand, the reverse complement: MAX is on the minus strand); deleting any 13 consecutive bases within chr14:65,078,013-65,078,026 gives the same sequence; the c. name uses the placement nearest the transcript's 3' end. VCF-style (leftmost placement, unchanged base first): chr14-65078012-TGTCTAGGATTTGG-T. GRCh37 (hg19) VCF-style: chr14-65544730-TGTCTAGGATTTGG-T.
Other names: c.-92_-80del (NM_001320415.2); c.182_194delCCCAAATCCTAGA, p.Gln62Lysfs (NM_001407094.1, NM_001407096.1, NM_001407097.1 and 2 more transcripts); c.155_167delCCCAAATCCTAGA, p.Gln53Lysfs (NM_001407095.1, NM_001407099.1, NM_001407100.1 and 5 more transcripts); c.74_86delCCCAAATCCTAGA, p.Gln26Lysfs (NM_001407098.1); c.-93_-81delCCCAAATCCTAGA (NM_001407105.1, NM_001407106.1, NM_001407107.1); c.-186_-174delCCCAAATCCTAGA (NM_001407111.1, NM_001407112.1); c.156_168del, p.Gln53fs (NM_145112.3); c.183_195del, p.Gln62fs (NM_145113.3); and 2 more; short protein forms Q53fs, Q62fs.
Identifiers: ClinVar variation 2125867 (VCV002125867.4), dbSNP rs2504199587, ClinGen allele CA2580088682.

ClinVar aggregate classification (germline): Pathogenic (1 of 4 stars; one submission).

Conditions:
Hereditary pheochromocytoma and paraganglioma. Also called: Hereditary paragangliomas and pheochromocytomas; Hereditary Paraganglioma-Pheochromocytoma Syndromes; Hereditary pheochromocytoma-paraganglioma. Identifiers: Orphanet 29072, MedGen C4274332, MONDO:0017366.

Submission:

Labcorp Genetics (formerly Invitae), Labcorp
Classification: Pathogenic for Hereditary pheochromocytoma and paraganglioma. Last evaluated: 2022-04-13. Review status: criteria provided, single submitter. Criteria: Invitae Variant Classification Sherloc (09022015). Collection method: clinical testing. Allele origin: germline.
Comment: This variant disrupts a region of the MAX protein in which other variant(s) (p.Gln97*) have been determined to be pathogenic (PMID: 29909963). This suggests that this is a clinically significant region of the protein, and that variants that disrupt it are likely to be disease-causing. This frameshift has been observed in individual(s) with bilateral pheochromocytoma (Invitae). This variant is not present in population databases (gnomAD no frequency). This sequence change results in a frameshift in the MAX gene (p.Gln62Lysfs*104). While this is not anticipated to result in nonsense mediated decay, it is expected to disrupt the last 99 amino acid(s) of the MAX protein and extend the protein by 4 additional amino acid residues. For these reasons, this variant has been classified as Pathogenic.

Literature cited by the submitters: PubMed 29909963.